The following is an entry in ClinVar:

NM_002519.3(NPAT):c.2189C>G (p.Ala730Gly)

Gene: NPAT (nuclear protein, coactivator of histone transcription; minus strand). Cytogenetic location: 11q22.3.
Variant type: single nucleotide variant.
Coding change: c.2189C>G on transcript NM_002519.3 (MANE Select); coding-DNA position 2189, C replaced by G.
Protein change: p.Ala730Gly; replaces alanine 730 with glycine.
Molecular consequence: missense variant.
Genome position (GRCh38, 1-based): chr11:108,172,795, G>C on the plus strand (C>G on the coding strand, the complement: NPAT is on the minus strand). VCF-style: chr11-108172795-G-C. GRCh37 (hg19) VCF-style: chr11-108043522-G-C.
Other names: c.2189C>G, p.Ala730Gly (NM_001321307.1); short protein forms A730G.
Identifiers: ClinVar variation 1787379 (VCV001787379.2), dbSNP rs1427655096, ClinGen allele CA382513496.

ClinVar aggregate classification (germline): Uncertain significance (1 of 4 stars; one submission).

Submission:

Ambry Genetics
Classification: Uncertain significance. Last evaluated: 2023-12-29. Review status: criteria provided, single submitter. Criteria: Ambry Variant Classification Scheme 2023. Collection method: clinical testing. Allele origin: germline.
Comment: The p.A730G variant (also known as c.2189C>G), located in coding exon 13 of the NPAT gene, results from a C to G substitution at nucleotide position 2189. The alanine at codon 730 is replaced by glycine, an amino acid with similar properties. This amino acid position is conserved. In addition, this alteration is predicted to be tolerated by in silico analysis. Since supporting evidence is limited at this time, the clinical significance of this alteration remains unclear.